The following is an entry in ClinVar:

NM_004615.4(TSPAN7):c.488C>T (p.Pro163Leu)

Gene: TSPAN7 (tetraspanin 7; plus strand). Cytogenetic location: Xp11.4.
Variant type: single nucleotide variant.
Coding change: c.488C>T on transcript NM_004615.4 (MANE Select); coding-DNA position 488, C replaced by T.
Protein change: p.Pro163Leu; replaces proline 163 with leucine.
Molecular consequence: missense variant.
Genome position (GRCh38, 1-based): chrX:38,675,751, C>T. VCF-style: chrX-38675751-C-T. GRCh37 (hg19) VCF-style: chrX-38535005-C-T.
Other names: short protein forms P163L.
Identifiers: ClinVar variation 4991881 (VCV004991881.1).
Genomic context (GRCh38, chrX:38,675,751, plus strand): 5'-TTCCCTGTTAATAGCTGAGCTGCTGTGGTGTGCAGAACTACACCAACTGGAGCACCAGCC[C>T]CTACTTCCTGGAGCATGGCATCCCCCCCAGCTGCTGCATGAACGAAACTGATTGTAATCC-3'
Protein context (NP_004606.2, residues 153-173): VQNYTNWSTS[Pro163Leu]YFLEHGIPPS

ClinVar aggregate classification (germline): Uncertain significance (1 of 4 stars; one submission).

Conditions:
TSPAN7-related disorder. Also called: TSPAN7-related condition.

Submission:

PreventionGenetics, part of Exact Sciences
Classification: Uncertain significance for TSPAN7-related condition. Last evaluated: 2025-08-30. Review status: criteria provided, single submitter. Criteria: ACMG Guidelines, 2015. Collection method: clinical testing. Allele origin: germline.
Comment: The TSPAN7 c.488C>T variant is predicted to result in the amino acid substitution p.Pro163Leu. To our knowledge, this variant has not been reported in the literature. This variant is reported in 0.0012% of alleles in individuals of European (Non-Finnish) descent in gnomAD. At this time, the clinical significance of this variant is uncertain due to the absence of conclusive functional and genetic evidence.